The following is an entry in ClinVar:

NM_018965.4(TREM2):c.393C>T (p.Asp131=)

Gene: TREM2 (triggering receptor expressed on myeloid cells 2; minus strand). Cytogenetic location: 6p21.1.
Variant type: single nucleotide variant.
Coding change: c.393C>T on transcript NM_018965.4 (MANE Select); coding-DNA position 393, C replaced by T.
Protein change: p.Asp131=; no amino-acid change (aspartic acid 131 retained).
Molecular consequence: synonymous variant.
Genome position (GRCh38, 1-based): chr6:41,159,881, G>A on the plus strand (C>T on the coding strand, the complement: TREM2 is on the minus strand). VCF-style: chr6-41159881-G-A. GRCh37 (hg19) VCF-style: chr6-41127619-G-A.
Other names: c.393C>T, p.Asp131= (NM_001271821.2).
Identifiers: ClinVar variation 356677 (VCV000356677.10), dbSNP rs139607688, ClinGen allele CA3798894.

ClinVar aggregate classification (germline): Conflicting classifications of pathogenicity. Review status: criteria provided, conflicting classifications (1 of 4 stars). 3 submissions from 3 submitters: Uncertain significance (1); Likely benign (2). Last evaluated 2026-09-01.

Conditions:
Polycystic lipomembranous osteodysplasia with sclerosing leukoencephalopathy 2. Also called: TREM2-Related Polycystic Lipomembranous Osteodysplasia with Sclerosing Leukoencephalopathy. Identifiers: MedGen C4748657, MONDO:0020750, OMIM 618193.

Allele frequency attached by ClinVar (database versions not stated): TOPMed 0.00004; ESP Exome Variant Server 0.00008; gnomAD 0.00010.
gnomAD v4.1: 89 of 1,613,476 alleles (0.0055%); highest among the groups gnomAD compares: Non-Finnish European, 0.0067%; no homozygotes.

Submissions (3):

CeGaT Center for Human Genetics Tuebingen
Classification: Likely benign. Last evaluated: 2026-09-01. Review status: criteria provided, single submitter. Criteria: CeGaT Center For Human Genetics Tuebingen Variant Classification Criteria Version 2. Collection method: clinical testing. Allele origin: germline. Affected: yes. Observed: 1 variant allele.
Comment: TREM2: BP4, BP7

Labcorp Genetics (formerly Invitae), Labcorp
Classification: Likely benign. Last evaluated: 2025-09-28. Review status: criteria provided, single submitter. Criteria: Invitae Variant Classification Sherloc (09022015). Collection method: clinical testing. Allele origin: germline.

Illumina Laboratory Services, Illumina
Classification: Uncertain significance for Polycystic lipomembranous osteodysplasia with sclerosing leukoencephalopathy 2. Last evaluated: 2018-01-12. Review status: criteria provided, single submitter. Criteria: ICSL Variant Classification Criteria 13 December 2019. Collection method: clinical testing. Allele origin: germline.